The following is an entry in ClinVar:

ClinVar aggregate classification (germline): Likely benign (1 of 4 stars; one submission).

Conditions:
ATP6V0C-related condition.

Submission:

PreventionGenetics, part of Exact Sciences
Classification: Likely benign for ATP6V0C-related condition. Last evaluated: 2024-11-09. Review status: criteria provided, single submitter. Criteria: ACMG Guidelines, 2015. Collection method: clinical testing. Allele origin: germline.
Comment: This variant is classified as likely benign based on ACMG/AMP sequence variant interpretation guidelines (Richards et al. 2015 PMID: 25741868, with internal and published modifications).

NM_001694.4(ATP6V0C):c.*9C>T

Gene: ATP6V0C (ATPase H+ transporting V0 subunit c; plus strand). Cytogenetic location: 16p13.3.
Variant type: single nucleotide variant.
Coding change: c.*9C>T on transcript NM_001694.4 (MANE Select); 9 bases downstream of the stop codon, C replaced by T.
Molecular consequence: 3 prime UTR variant.
Genome position (GRCh38, 1-based): chr16:2,519,754, C>T. VCF-style: chr16-2519754-C-T. GRCh37 (hg19) VCF-style: chr16-2569755-C-T.
Other names: c.*9C>T (NM_001198569.2).
Identifiers: ClinVar variation 4987395 (VCV004987395.1).